The following is an entry in ClinVar:

ClinVar aggregate classification (germline): Uncertain significance (1 of 4 stars; one submission).

Conditions:
Melanoma, cutaneous malignant, susceptibility to, 1 (CMM1). Also called: B-K MOLE SYNDROME; MELANOMA, MALIGNANT; DYSPLASTIC NEVUS SYNDROME, HEREDITARY; FAMILIAL ATYPICAL MOLE-MALIGNANT MELANOMA SYNDROME. Identifiers: Orphanet 618, MedGen C1835047, MONDO:0007963, OMIM 155600.
Cardiofaciocutaneous syndrome 1 (CFC1). Also called: BRAF-Related Cardiofaciocutaneous Syndrome. Identifiers: Orphanet 1340, MedGen CN029449, MONDO:0007265, OMIM 115150. Disease mechanism: gain of function.
LEOPARD syndrome 3 (LPRD3). Identifiers: Orphanet 500, MedGen C3150971, MONDO:0013380, OMIM 613707.
Noonan syndrome 7 (NS7). Also called: BRAF-Related Noonan Syndrome. Identifiers: Orphanet 648, MedGen C3150970, MONDO:0013379, OMIM 613706.
Lung cancer. Also called: Malignant tumor of lung; Lung cancer, somatic. Identifiers: MedGen C0242379, MONDO:0008903, OMIM 211980.
Colorectal cancer. Also called: Malignant Colorectal Neoplasm; Colorectal cancer, somatic. Identifiers: MedGen C0346629, MONDO:0005575, OMIM 114500.

Submission:

Juno Genomics, Hangzhou Juno Genomics, Inc
Classification: Uncertain significance for Lung cancer; Cardiofaciocutaneous syndrome 1; Colorectal cancer; LEOPARD syndrome 3; Melanoma, cutaneous malignant, susceptibility to, 1; Noonan syndrome 7. Review status: criteria provided, single submitter. Criteria: ACMG Guidelines, 2015. Collection method: clinical testing. Allele origin: germline.
Comment: Absent from controls (or at extremely low frequency if recessive) in Genome Aggregation Database.;Missense variant in a gene that has a low rate of benign missense variation.;Multiple lines of computational evidence support a deleterious effect on the gene or gene product.

NM_004333.6(BRAF):c.2003T>C (p.Met668Thr)

Gene: BRAF (B-Raf proto-oncogene, serine/threonine kinase; minus strand). Cytogenetic location: 7q34.
Variant type: single nucleotide variant.
Coding change: c.2003T>C on transcript NM_004333.6 (MANE Select); coding-DNA position 2003, T replaced by C.
Protein change: p.Met668Thr; replaces methionine 668 with threonine.
Molecular consequence: missense variant.
Genome position (GRCh38, 1-based): chr7:140,739,936, A>G on the plus strand (T>C on the coding strand, the complement: BRAF is on the minus strand). VCF-style: chr7-140739936-A-G. GRCh37 (hg19) VCF-style: chr7-140439736-A-G.
Other names: c.2123T>C, p.Met708Thr (NM_001374258.1, NM_001374244.1); c.2012T>C, p.Met671Thr (NM_001378467.1); c.2003T>C, p.Met668Thr (NM_001378468.1, NM_001378474.1, NM_001354609.2); c.1937T>C, p.Met646Thr (NM_001378469.1); c.1901T>C, p.Met634Thr (NM_001378470.1); c.1892T>C, p.Met631Thr (NM_001378471.1); c.1847T>C, p.Met616Thr (NM_001378472.1, NM_001378473.1); c.1739T>C, p.Met580Thr (NM_001378475.1); short protein forms M580T, M646T, M708T, M668T, M616T, M631T, M634T, M671T.
Identifiers: ClinVar variation 5007165 (VCV005007165.2).